The following is an entry in ClinVar:

ClinVar aggregate classification (germline): Uncertain significance (1 of 4 stars; one submission).

Conditions:
Hereditary cancer-predisposing syndrome. Also called: Tumor predisposition; Hereditary Cancer Syndrome; Hereditary neoplastic syndrome; Neoplastic Syndromes, Hereditary. Identifiers: Orphanet 140162, MedGen C0027672, MeSH D009386, MONDO:0015356.

Allele frequency attached by ClinVar (database versions not stated): gnomAD exomes below 0.00001.
gnomAD v4.1: 1 of 1,614,172 alleles (0.000062%); highest among the groups gnomAD compares: Non-Finnish European, 0.000085%; no homozygotes.

Submission:

Ambry Genetics
Classification: Uncertain significance for Hereditary cancer-predisposing syndrome. Last evaluated: 2016-05-20. Review status: criteria provided, single submitter. Criteria: Ambry Variant Classification Scheme 2023. Collection method: clinical testing. Allele origin: germline.
Comment: The p.N1546H variant (also known as c.4636A>C), located in coding exon 15 of the APC gene, results from an A to C substitution at nucleotide position 4636. The asparagine at codon 1546 is replaced by histidine, an amino acid with similar properties. This variant was not reported in population based cohorts in the following databases: Database of Single Nucleotide Polymorphisms (dbSNP), NHLBI Exome Sequencing Project (ESP), and 1000 Genomes Project. In the ESP, this variant was not observed in 6502 samples (13004 alleles) with coverage at this position. To date, this alteration has been detected with an allele frequency of approximately 0.001% (greater than 90000 alleles tested) in our clinical cohort. This amino acid position is not well conserved in available vertebrate species. In addition, in silico predictors for this gene do not accurately predict pathogenicity. Since supporting evidence is limited at this time, the clinical significance of this alteration remains unclear.

NM_000038.6(APC):c.4636A>C (p.Asn1546His)

Gene: APC (APC regulator of Wnt signaling pathway; plus strand). Cytogenetic location: 5q22.2.
Variant type: single nucleotide variant.
Coding change: c.4636A>C on transcript NM_000038.6 (MANE Select); coding-DNA position 4636, A replaced by C.
Protein change: p.Asn1546His; replaces asparagine 1546 with histidine.
Molecular consequence: missense variant.
Genome position (GRCh38, 1-based): chr5:112,840,230, A>C. VCF-style: chr5-112840230-A-C. GRCh37 (hg19) VCF-style: chr5-112175927-A-C.
Other names: c.4636A>C, p.Asn1546His (NM_001127510.3, NM_001354895.2); c.4582A>C, p.Asn1528His (NM_001127511.3); c.4690A>C, p.Asn1564His (NM_001354896.2); c.4666A>C, p.Asn1556His (NM_001354897.2); c.4561A>C, p.Asn1521His (NM_001354898.2); c.4552A>C, p.Asn1518His (NM_001354899.2); c.4513A>C, p.Asn1505His (NM_001354900.2); c.4459A>C, p.Asn1487His (NM_001354901.2); and 5 more; short protein forms N1546H, N1528H, N1386H, N1445H, N1505H, N1564H, N1263H, N1455H.
Identifiers: ClinVar variation 486752 (VCV000486752.5), dbSNP rs1554086031, ClinGen allele CA16031487.